The following is an entry in ClinVar:

NM_001374736.1(DST):c.23228G>A (p.Arg7743Gln)

Gene: DST (dystonin; minus strand). Cytogenetic location: 6p12.1.
Variant type: single nucleotide variant.
Coding change: c.23228G>A on transcript NM_001374736.1 (MANE Select); coding-DNA position 23228, G replaced by A.
Protein change: p.Arg7743Gln; replaces arginine 7743 with glutamine.
Molecular consequence: missense variant.
Genome position (GRCh38, 1-based): chr6:56,459,234, C>T on the plus strand (G>A on the coding strand, the complement: DST is on the minus strand). VCF-style: chr6-56459234-C-T. GRCh37 (hg19) VCF-style: chr6-56324032-C-T.
Other names: c.16799G>A (NM_001144769.2); c.16799G>A, p.Arg5600Gln (NM_001144769.5); c.16385G>A, p.Arg5462Gln (NM_001144770.2); c.23156G>A, p.Arg7719Gln (NM_001374722.1); c.22157G>A, p.Arg7386Gln (NM_001374729.1); c.15899G>A, p.Arg5300Gln (NM_001374730.1); c.23183G>A, p.Arg7728Gln (NM_001374734.1); c.15287G>A, p.Arg5096Gln (NM_015548.5); and 1 more; short protein forms R5422Q, R7386Q, R7728Q, R5462Q, R5600Q, R7719Q, R5096Q, R5300Q.
Identifiers: ClinVar variation 969571 (VCV000969571.7), dbSNP rs762220017, ClinGen allele CA3865997.

ClinVar aggregate classification (germline): Uncertain significance. Review status: criteria provided, multiple submitters, no conflicts (2 of 4 stars). 4 submissions from 4 submitters: Uncertain significance (3). 1 of the submissions does not count toward it. Last evaluated 2025-12-15.

Conditions:
DST-related disorder. Also called: DST-related condition; DST-related disorders.
Inborn genetic diseases. Identifiers: MedGen C0950123, MeSH D030342.
Epidermolysis bullosa simplex 3, localized or generalized intermediate, with BP230 deficiency (EBS3). Also called: Epidermolysis bullosa simplex, autosomal recessive 2; Epidermolysis bullosa simplex due to BP230 deficiency. Identifiers: Orphanet 412181, MedGen C3809470, MONDO:0014180, OMIM 615425.
Hereditary sensory and autonomic neuropathy type 6. Also called: HSAN VI; Neuropathy, hereditary sensory and autonomic, type VI. Identifiers: Orphanet 314381, MedGen C3539003, MONDO:0013839, OMIM 614653.

Allele frequency attached by ClinVar (database versions not stated): gnomAD exomes 0.00002 and 0.00003; gnomAD 0.00003 and 0.00004; TOPMed 0.00003; ExAC 0.00005.
gnomAD v4.1: 28 of 1,612,812 alleles (0.0017%); highest among the groups gnomAD compares: East Asian, 0.016%; no homozygotes.

Submissions (4):

PreventionGenetics, part of Exact Sciences
Classification: Uncertain significance for DST-related condition. Last evaluated: 2025-12-15. Review status: criteria provided, single submitter. Criteria: ACMG Guidelines, 2015. Collection method: clinical testing. Allele origin: germline.
Comment: The DST c.16799G>A variant is predicted to result in the amino acid substitution p.Arg5600Gln. To our knowledge, this variant has not been reported in the literature. This variant is reported in 0.026% of alleles in individuals of East Asian descent in gnomAD. At this time, the clinical significance of this variant is uncertain due to the absence of conclusive functional and genetic evidence.

Ambry Genetics
Classification: Uncertain significance for Inborn genetic diseases. Last evaluated: 2022-10-18. Review status: criteria provided, single submitter. Criteria: Ambry Variant Classification Scheme 2023. Collection method: clinical testing. Allele origin: germline.

Labcorp Genetics (formerly Invitae), Labcorp
Classification: Uncertain significance for Epidermolysis bullosa simplex 3, localized or generalized intermediate, with BP230 deficiency; Hereditary sensory and autonomic neuropathy type 6. Last evaluated: 2021-09-04. Review status: criteria provided, single submitter. Criteria: Invitae Variant Classification Sherloc (09022015). Collection method: clinical testing. Allele origin: germline.
Comment: This sequence change replaces arginine with glutamine at codon 5096 of the DST protein (p.Arg5096Gln). The DST gene has multiple clinically relevant transcripts. This variant occurs in alternate transcript NM_015548.4, and corresponds to NM_001723.5:c.*156283G>A in the primary transcript. This variant is present in population databases (rs762220017, ExAC 0.04%). This variant has not been reported in the literature in individuals affected with DST-related conditions. ClinVar contains an entry for this variant (Variation ID: 969571). Experimental studies and prediction algorithms are not available or were not evaluated, and the functional significance of this variant is currently unknown. In summary, the available evidence is currently insufficient to determine the role of this variant in disease. Therefore, it has been classified as a Variant of Uncertain Significance.

Department of Pathology and Laboratory Medicine, Sinai Health System
Classification: Benign. Review status: no assertion criteria provided. Collection method: clinical testing. Allele origin: unknown. Affected: yes. Study: The Canadian Open Genetics Repository (COGR). Not counted in ClinVar's aggregate classification.
Comment: The DST p.Arg5462Gln variant was not identified in the literature nor was it identified in ClinVar or LOVD 3.0. The variant was identified in dbSNP (ID: rs762220017) and in control databases in 10 of 277710 chromosomes at a frequency of 0.00003601 (Genome Aggregation Database March 6, 2019, v2.1.1). The variant was observed in the following populations: Other in 2 of 7092 chromosomes (freq: 0.000282), East Asian in 5 of 19340 chromosomes (freq: 0.000259), South Asian in 1 of 30286 chromosomes (freq: 0.000033), Latino in 1 of 35074 chromosomes (freq: 0.000029) and European (non-Finnish) in 1 of 126882 chromosomes (freq: 0.000008), but was not observed in the African, Ashkenazi Jewish, or European (Finnish) populations. The p.Arg5462 residue is conserved in mammals but not in more distantly related organisms however three out of four computational analyses (SIFT, AlignGVGD, BLOSUM, MutationTaster) do not suggest a high likelihood of impact to the protein; this information is not predictive enough to rule out pathogenicity. The variant occurs outside of the splicing consensus sequence and in silico or computational prediction software programs (SpliceSiteFinder, MaxEntScan, NNSPLICE, GeneSplicer) do not predict a difference in splicing. In summary, based on the above information the clinical significance of this variant cannot be determined with certainty at this time. This variant is classified as a variant of uncertain significance.